The following is an entry in ClinVar:

NM_017763.6(RNF43):c.1131A>T (p.Pro377=)

Gene: RNF43 (ring finger protein 43; minus strand). Cytogenetic location: 17q22.
Variant type: single nucleotide variant.
Coding change: c.1131A>T on transcript NM_017763.6 (MANE Select); coding-DNA position 1131, A replaced by T.
Protein change: p.Pro377=; no amino-acid change (proline 377 retained).
Molecular consequence: synonymous variant.
Genome position (GRCh38, 1-based): chr17:58,358,645, T>A on the plus strand (A>T on the coding strand, the complement: RNF43 is on the minus strand). VCF-style: chr17-58358645-T-A. GRCh37 (hg19) VCF-style: chr17-56436006-T-A.
Other names: p.Pro377=; c.1131A>T, p.Pro377= (NM_001305544.3); c.750A>T, p.Pro250= (NM_001305545.2).
Identifiers: ClinVar variation 1167864 (VCV001167864.26), dbSNP rs367829905, ClinGen allele CA8673229.
Genomic context (GRCh38, chr17:58,358,645, plus strand): 5'-CCGGGGATGTGCAGCTCTGGGGAAGCGGTGATGCCGAGGGCCCATGCCTGGCTCCTGGGA[T>A]GGCAGGAAGGGACCAGGTCGTGGGGGCCGAGCCACTGCACTCCGGGAAGGGCCCAACAGG-3'
Protein context (NP_060233.3, residues 367-387): ARPPRPGPFL[Pro377=]SQEPGMGPRH

ClinVar aggregate classification (germline): Benign/Likely benign. Review status: criteria provided, multiple submitters, no conflicts (2 of 4 stars). 5 submissions from 5 submitters: Benign (2); Likely benign (3). Last evaluated 2026-01-25.

Conditions:
Sessile serrated polyposis cancer syndrome (SSPCS). Identifiers: Orphanet 157798, MedGen C4310714, MONDO:0014919, OMIM 617108.

Allele frequency attached by ClinVar (database versions not stated): TOPMed 0.00006; ESP Exome Variant Server 0.00023; ExAC 0.00056; gnomAD 0.00078 and 0.00084; gnomAD exomes 0.00094.
gnomAD v4.1: 559 of 1,531,636 alleles (0.036%); highest among the groups gnomAD compares: Non-Finnish European, 0.0035%; 5 homozygotes.

Submissions (5):

Labcorp Genetics (formerly Invitae), Labcorp
Classification: Benign. Last evaluated: 2026-01-25. Review status: criteria provided, single submitter. Criteria: Invitae Variant Classification Sherloc (09022015). Collection method: clinical testing. Allele origin: germline.

Myriad Genetics, Inc.
Classification: Benign for Sessile serrated polyposis cancer syndrome. Last evaluated: 2025-12-12. Review status: criteria provided, single submitter. Criteria: Myriad Autosomal Dominant, Autosomal Recessive and X-Linked Classification Criteria (2023). Collection method: clinical testing. Allele origin: unknown.
Comment: This variant is considered benign. This variant is a silent/synonymous amino acid change and it is not expected to impact splicing.

Mayo Clinic Laboratories, Mayo Clinic
Classification: Likely benign. Last evaluated: 2025-09-02. Review status: criteria provided, single submitter. Criteria: ACMG Guidelines, 2015. Collection method: clinical testing. Allele origin: germline. Observed: 1 variant allele.
Comment: BS1, BP7

Ambry Genetics
Classification: Likely benign. Last evaluated: 2024-11-25. Review status: criteria provided, single submitter. Criteria: Ambry Variant Classification Scheme 2023. Collection method: clinical testing. Allele origin: germline.

CeGaT Center for Human Genetics Tuebingen
Classification: Likely benign. Last evaluated: 2024-10-01. Review status: criteria provided, single submitter. Criteria: CeGaT Center For Human Genetics Tuebingen Variant Classification Criteria Version 2. Collection method: clinical testing. Allele origin: germline. Affected: yes. Observed: 1 variant allele.
Comment: RNF43: BP4, BP7